The following is an entry in ClinVar:

NM_000293.3(PHKB):c.370G>C (p.Gly124Arg)

Gene: PHKB (phosphorylase kinase regulatory subunit beta; plus strand). Cytogenetic location: 16q12.1.
Variant type: single nucleotide variant.
Coding change: c.370G>C on transcript NM_000293.3 (MANE Select); coding-DNA position 370, G replaced by C.
Protein change: p.Gly124Arg; replaces glycine 124 with arginine.
Molecular consequence: missense variant.
Genome position (GRCh38, 1-based): chr16:47,503,055, G>C. VCF-style: chr16-47503055-G-C. GRCh37 (hg19) VCF-style: chr16-47536966-G-C.
Other names: c.349G>C, p.Gly117Arg (NM_001031835.3); c.370G>C, p.Gly124Arg (NM_001363837.1); short protein forms G124R, G117R.
Identifiers: ClinVar variation 319331 (VCV000319331.6), dbSNP rs749597903, ClinGen allele CA8040455.

ClinVar aggregate classification (germline): Uncertain significance. Review status: criteria provided, multiple submitters, no conflicts (2 of 4 stars). 2 submissions from 2 submitters: Uncertain significance (2). Last evaluated 2022-10-17.

Conditions:
Glycogen storage disease IXb (GSD9B). Also called: GLYCOGENOSIS OF LIVER AND MUSCLE, AUTOSOMAL RECESSIVE; GSD IXb; PHOSPHORYLASE KINASE DEFICIENCY OF LIVER AND MUSCLE, AUTOSOMAL RECESSIVE. Identifiers: Orphanet 79240, MedGen C0543514, MONDO:0009868, OMIM 261750.

Allele frequency attached by ClinVar (database versions not stated): gnomAD 0.00001; gnomAD exomes 0.00001; TOPMed 0.00001; ExAC 0.00002.
gnomAD v4.1: 6 of 1,612,852 alleles (0.00037%); highest among the groups gnomAD compares: Non-Finnish European, 0.00051%; no homozygotes.

Submissions (2):

Labcorp Genetics (formerly Invitae), Labcorp
Classification: Uncertain significance for Glycogen storage disease IXb. Last evaluated: 2022-10-17. Review status: criteria provided, single submitter. Criteria: Invitae Variant Classification Sherloc (09022015). Collection method: clinical testing. Allele origin: germline.
Comment: This sequence change replaces glycine, which is neutral and non-polar, with arginine, which is basic and polar, at codon 124 of the PHKB protein (p.Gly124Arg). This variant is present in population databases (rs749597903, gnomAD 0.003%). This variant has not been reported in the literature in individuals affected with PHKB-related conditions. ClinVar contains an entry for this variant (Variation ID: 319331). Algorithms developed to predict the effect of missense changes on protein structure and function are either unavailable or do not agree on the potential impact of this missense change (SIFT: "Deleterious"; PolyPhen-2: "Probably Damaging"; Align-GVGD: "Class C15"). In summary, the available evidence is currently insufficient to determine the role of this variant in disease. Therefore, it has been classified as a Variant of Uncertain Significance.

Illumina Laboratory Services, Illumina
Classification: Uncertain significance for Glycogen storage disease IXb. Last evaluated: 2018-01-12. Review status: criteria provided, single submitter. Criteria: ICSL Variant Classification Criteria 13 December 2019. Collection method: clinical testing. Allele origin: germline.